The following is an entry in ClinVar:

ClinVar aggregate classification (germline): Uncertain significance. Review status: criteria provided, multiple submitters, no conflicts (2 of 4 stars). 2 submissions from 2 submitters: Uncertain significance (2). Last evaluated 2025-09-09.

Conditions:
Inborn genetic diseases. Identifiers: MedGen C0950123, MeSH D030342.

Allele frequency attached by ClinVar (database versions not stated): TOPMed 0.00002; gnomAD exomes 0.00003; ExAC 0.00004; gnomAD 0.00001.
gnomAD v4.1: 49 of 1,598,264 alleles (0.0031%); highest among the groups gnomAD compares: Middle Eastern, 0.017%; no homozygotes.

Submissions (2):

Labcorp Genetics (formerly Invitae), Labcorp
Classification: Uncertain significance. Last evaluated: 2025-09-09. Review status: criteria provided, single submitter. Criteria: Invitae Variant Classification Sherloc (09022015). Collection method: clinical testing. Allele origin: germline.
Comment: This sequence change replaces isoleucine, which is neutral and non-polar, with methionine, which is neutral and non-polar, at codon 199 of the WNT9B protein (p.Ile199Met). This variant is present in population databases (rs762405316, gnomAD 0.008%). This variant has not been reported in the literature in individuals affected with WNT9B-related conditions. ClinVar contains an entry for this variant (Variation ID: 2900610). An algorithm developed to predict the effect of missense changes on protein structure and function (PolyPhen-2) suggests that this variant is likely to be disruptive. In summary, the available evidence is currently insufficient to determine the role of this variant in disease. Therefore, it has been classified as a Variant of Uncertain Significance.

Ambry Genetics
Classification: Uncertain significance for Inborn genetic diseases. Last evaluated: 2025-04-29. Review status: criteria provided, single submitter. Criteria: Ambry Variant Classification Scheme 2023. Collection method: clinical testing. Allele origin: germline.

NM_003396.3(WNT9B):c.597C>G (p.Ile199Met)

Genes: LRRC37A2 (leucine rich repeat containing 37 member A2), WNT9B (Wnt family member 9B; plus strand). Cytogenetic location: 17q21.32.
Variant type: single nucleotide variant.
Coding change: c.597C>G on transcript NM_003396.3 (MANE Select); coding-DNA position 597, C replaced by G.
Protein change: p.Ile199Met; replaces isoleucine 199 with methionine.
Molecular consequence: missense variant.
Genome position (GRCh38, 1-based): chr17:46,875,363, C>G. VCF-style: chr17-46875363-C-G. GRCh37 (hg19) VCF-style: chr17-44952729-C-G.
Other names: c.597C>G (NM_003396.1); c.597C>G, p.Ile199Met (NM_001320458.2); short protein forms I199M.
Identifiers: ClinVar variation 2900610 (VCV002900610.4), dbSNP rs762405316, ClinGen allele CA8620940.